The following is an entry in ClinVar:

ClinVar aggregate classification (germline): Likely benign. Review status: criteria provided, multiple submitters, no conflicts (2 of 4 stars). 3 submissions from 3 submitters: Likely benign (2). 1 of the submissions does not count toward it. Last evaluated 2026-08-01.

Conditions:
SON-related disorder. Also called: SON-related condition.

Allele frequency attached by ClinVar (database versions not stated): ESP Exome Variant Server 0.00008; gnomAD 0.00013 and 0.00014; TOPMed 0.00016; 1000 Genomes Project 0.00020; 1000 Genomes Project 30x 0.00031.
gnomAD v4.1: 200 of 1,613,682 alleles (0.012%); highest among the groups gnomAD compares: Admixed American, 0.11%; no homozygotes.

Submissions (3):

CeGaT Center for Human Genetics Tuebingen
Classification: Likely benign. Last evaluated: 2026-08-01. Review status: criteria provided, single submitter. Criteria: CeGaT Center For Human Genetics Tuebingen Variant Classification Criteria Version 2. Collection method: clinical testing. Allele origin: germline. Affected: yes. Observed: 4 variant alleles.
Comment: SON: BS1

Labcorp Genetics (formerly Invitae), Labcorp
Classification: Likely benign. Last evaluated: 2026-01-05. Review status: criteria provided, single submitter. Criteria: Invitae Variant Classification Sherloc (09022015). Collection method: clinical testing. Allele origin: germline.

PreventionGenetics, part of Exact Sciences
Classification: Likely benign for SON-related condition. Last evaluated: 2019-06-05. Review status: no assertion criteria provided. Collection method: clinical testing. Allele origin: germline. Not counted in ClinVar's aggregate classification.
Comment: This variant is classified as likely benign based on ACMG/AMP sequence variant interpretation guidelines (Richards et al. 2015 PMID: 25741868, with internal and published modifications).

NM_138927.4(SON):c.2581A>G (p.Met861Val)

Gene: SON (SON DNA and RNA binding protein; plus strand). Cytogenetic location: 21q22.11.
Variant type: single nucleotide variant.
Coding change: c.2581A>G on transcript NM_138927.4 (MANE Select); coding-DNA position 2581, A replaced by G.
Protein change: p.Met861Val; replaces methionine 861 with valine.
Molecular consequence: missense variant. On other transcripts: non-coding transcript variant (1), intron variant (1).
Genome position (GRCh38, 1-based): chr21:33,551,812, A>G. VCF-style: chr21-33551812-A-G. GRCh37 (hg19) VCF-style: chr21-34924118-A-G.
Other names: c.2581A>G, p.Met861Val (NM_001291411.2, NM_032195.3); c.245-5344A>G (NM_001291412.3); c.2581A>G (NM_138927.2); short protein forms M861V.
Identifiers: ClinVar variation 741625 (VCV000741625.17), dbSNP rs142324795, ClinGen allele CA10009131.